The following is an entry in ClinVar:

NM_001355436.2(SPTB):c.4076G>A (p.Arg1359Gln)

Gene: SPTB (spectrin beta, erythrocytic; minus strand). Cytogenetic location: 14q23.3.
Variant type: single nucleotide variant.
Coding change: c.4076G>A on transcript NM_001355436.2 (MANE Select); coding-DNA position 4076, G replaced by A.
Protein change: p.Arg1359Gln; replaces arginine 1359 with glutamine.
Molecular consequence: missense variant.
Genome position (GRCh38, 1-based): chr14:64,782,480, C>T on the plus strand (G>A on the coding strand, the complement: SPTB is on the minus strand). VCF-style: chr14-64782480-C-T. GRCh37 (hg19) VCF-style: chr14-65249198-C-T.
Other names: c.4076G>A, p.Arg1359Gln (NM_001024858.4, NM_001355437.2); short protein forms R1359Q.
Identifiers: ClinVar variation 313732 (VCV000313732.8), dbSNP rs199780681, ClinGen allele CA7230409.

ClinVar aggregate classification (germline): Conflicting classifications of pathogenicity. Review status: criteria provided, conflicting classifications (1 of 4 stars). 2 submissions from 2 submitters: Uncertain significance (1); Likely benign (1). Last evaluated 2026-09-01.

Allele frequency attached by ClinVar (database versions not stated): TOPMed below 0.00001; ExAC 0.00001; gnomAD 0.00001 and 0.00002; gnomAD exomes 0.00001; 1000 Genomes Project 30x 0.00016; 1000 Genomes Project 0.00020.
gnomAD v4.1: 15 of 1,614,116 alleles (0.00093%); highest among the groups gnomAD compares: Middle Eastern, 0.016%; no homozygotes.

Submissions (2):

CeGaT Center for Human Genetics Tuebingen
Classification: Likely benign. Last evaluated: 2026-09-01. Review status: criteria provided, single submitter. Criteria: CeGaT Center For Human Genetics Tuebingen Variant Classification Criteria Version 2. Collection method: clinical testing. Allele origin: germline. Affected: yes. Observed: 1 variant allele.
Comment: SPTB: BP4

Revvity Omics, Revvity
Classification: Uncertain significance. Last evaluated: 2022-04-14. Review status: criteria provided, single submitter. Criteria: ACMG Guidelines, 2015. Collection method: clinical testing. Allele origin: germline.